The following is an entry in ClinVar:

NM_000760.4(CSF3R):c.29C>T (p.Thr10Ile)

Gene: CSF3R (colony stimulating factor 3 receptor; minus strand). Cytogenetic location: 1p34.3.
Variant type: single nucleotide variant.
Coding change: c.29C>T on transcript NM_000760.4 (MANE Select); coding-DNA position 29, C replaced by T.
Protein change: p.Thr10Ile; replaces threonine 10 with isoleucine.
Molecular consequence: missense variant.
Genome position (GRCh38, 1-based): chr1:36,479,468, G>A on the plus strand (C>T on the coding strand, the complement: CSF3R is on the minus strand). VCF-style: chr1-36479468-G-A. GRCh37 (hg19) VCF-style: chr1-36945069-G-A.
Other names: c.29C>T, p.Thr10Ile (NM_156039.3, NM_172313.3); short protein forms T10I.
Identifiers: ClinVar variation 2890060 (VCV002890060.3), dbSNP rs1186251774, ClinGen allele CA339425352.

ClinVar aggregate classification (germline): Uncertain significance (1 of 4 stars; one submission).

Conditions:
Autosomal recessive severe congenital neutropenia due to CSF3R deficiency. Also called: Neutropenia, severe congenital, 7, autosomal recessive. Identifiers: Orphanet 420702, MedGen C4310764, MONDO:0014865, OMIM 617014.

Allele frequency attached by ClinVar (database versions not stated): gnomAD exomes below 0.00001; TOPMed below 0.00001; gnomAD 0.00001.
gnomAD v4.1: 5 of 1,614,088 alleles (0.00031%); highest among the groups gnomAD compares: Non-Finnish European, 0.00042%; no homozygotes.

Submission:

Labcorp Genetics (formerly Invitae), Labcorp
Classification: Uncertain significance for Autosomal recessive severe congenital neutropenia due to CSF3R deficiency. Last evaluated: 2023-06-23. Review status: criteria provided, single submitter. Criteria: Invitae Variant Classification Sherloc (09022015). Collection method: clinical testing. Allele origin: germline.
Comment: This sequence change replaces threonine, which is neutral and polar, with isoleucine, which is neutral and non-polar, at codon 10 of the CSF3R protein (p.Thr10Ile). This variant is present in population databases (no rsID available, gnomAD 0.002%). This variant has not been reported in the literature in individuals affected with CSF3R-related conditions. Algorithms developed to predict the effect of missense changes on protein structure and function output the following: SIFT: "Not Available"; PolyPhen-2: "Benign"; Align-GVGD: "Not Available". The isoleucine amino acid residue is found in multiple mammalian species, which suggests that this missense change does not adversely affect protein function. In summary, the available evidence is currently insufficient to determine the role of this variant in disease. Therefore, it has been classified as a Variant of Uncertain Significance.